The following is an entry in ClinVar:

NM_014991.6(WDFY3):c.7920C>T (p.Leu2640=)

Gene: WDFY3 (WD repeat and FYVE domain containing 3; minus strand). Cytogenetic location: 4q21.23.
Variant type: single nucleotide variant.
Coding change: c.7920C>T on transcript NM_014991.6 (MANE Select); coding-DNA position 7920, C replaced by T.
Protein change: p.Leu2640=; no amino-acid change (leucine 2640 retained).
Molecular consequence: synonymous variant.
Genome position (GRCh38, 1-based): chr4:84,715,339, G>A on the plus strand (C>T on the coding strand, the complement: WDFY3 is on the minus strand). VCF-style: chr4-84715339-G-A. GRCh37 (hg19) VCF-style: chr4-85636492-G-A.
Identifiers: ClinVar variation 4872834 (VCV004872834.3).

ClinVar aggregate classification (germline): Likely benign. Review status: criteria provided, multiple submitters, no conflicts (2 of 4 stars). 2 submissions from 2 submitters: Likely benign (2). Last evaluated 2026-05-01.

gnomAD v4.1: 127 of 1,611,140 alleles (0.0079%); highest among the groups gnomAD compares: African/African-American, 0.15%; no homozygotes.

Submissions (2):

CeGaT Center for Human Genetics Tuebingen
Classification: Likely benign. Last evaluated: 2026-05-01. Review status: criteria provided, single submitter. Criteria: CeGaT Center For Human Genetics Tuebingen Variant Classification Criteria Version 2. Collection method: clinical testing. Allele origin: germline. Affected: yes. Observed: 1 variant allele.
Comment: WDFY3: BP4, BP7, BS1

Blueprint Genetics
Classification: Likely benign. Last evaluated: 2023-07-27. Review status: criteria provided, single submitter. Criteria: ACMG Guidelines, 2015. Collection method: clinical testing. Allele origin: germline.